The following is an entry in ClinVar:

NM_007294.4(BRCA1):c.64T>A (p.Leu22Ile)

Gene: BRCA1 (BRCA1 DNA repair associated; minus strand). Cytogenetic location: 17q21.31.
Variant type: single nucleotide variant.
Coding change: c.64T>A on transcript NM_007294.4 (MANE Select); coding-DNA position 64, T replaced by A.
Protein change: p.Leu22Ile; replaces leucine 22 with isoleucine.
Molecular consequence: missense variant. On other transcripts: 5 prime UTR variant (1), non-coding transcript variant (1).
Genome position (GRCh38, 1-based): chr17:43,124,033, A>T on the plus strand (T>A on the coding strand, the complement: BRCA1 is on the minus strand). VCF-style: chr17-43124033-A-T. GRCh37 (hg19) VCF-style: chr17-41276050-A-T.
Other names: c.-125T>A (NM_001407571.1, NM_001407853.1, NM_001407879.1 and 46 more transcripts); c.64T>A, p.Leu22Ile (NM_001407581.1, NM_001407582.1, NM_001407583.1 and 193 more transcripts); c.-194T>A (NM_001407694.1, NM_001407724.1, NM_001407727.1 and 11 more transcripts); c.-198T>A (NM_001407695.1, NM_001408465.1); c.-339T>A (NM_001407696.1); c.-223T>A (NM_001407697.1, NM_001407846.1, NM_001407920.1); c.-24T>A (NM_001407698.1, NM_001407732.1, NM_001407736.1 and 23 more transcripts); c.-197T>A (NM_001407725.1, NM_001407730.1, NM_001407734.1 and 22 more transcripts); and 8 more; short protein forms L22I.
Identifiers: ClinVar variation 865055 (VCV000865055.3), dbSNP rs1597923402, ClinGen allele CA10602028.

Conditions:
Breast-ovarian cancer, familial, susceptibility to, 1 (BROVCA1). Also called: BRCA1 Hereditary Breast and Ovarian Cancer; OVARIAN CANCER, SUSCEPTIBILITY TO. Identifiers: Orphanet 145, MedGen C2676676, MONDO:0011450, OMIM 604370. Disease mechanism: loss of function.

Submission:

Brotman Baty Institute, University of Washington
No classification provided (evidence only). Condition: Breast-ovarian cancer, familial 1. Review status: no classification provided. Collection method: in vitro. Allele origin: not applicable. Functional consequence: functionally_normal.
ClinVar note: "not provided" was previously submitted as the classification for the variant. However, the classification appeared to be based only on an observation of functional data so it was converted to no classification on 2025-07-30.